The following is an entry in ClinVar:

ClinVar aggregate classification (germline): Likely pathogenic (1 of 4 stars; one submission).

Conditions:
Smith-Lemli-Opitz syndrome (SLOS). Also called: LETHAL ACRODYSGENITAL SYNDROME; POLYDACTYLY, SEX REVERSAL, RENAL HYPOPLASIA, AND UNILOBAR LUNG; RSH SYNDROME; RUTLEDGE LETHAL MULTIPLE CONGENITAL ANOMALY SYNDROME; 7-Dehydrocholesterol reductase deficiency. Identifiers: Orphanet 818, MedGen C0175694, MONDO:0010035, OMIM 270400.

Submission:

Labcorp Genetics (formerly Invitae), Labcorp
Classification: Likely pathogenic for Smith-Lemli-Opitz syndrome. Last evaluated: 2023-11-21. Review status: criteria provided, single submitter. Criteria: Invitae Variant Classification Sherloc (09022015). Collection method: clinical testing. Allele origin: germline.
Comment: This sequence change affects a donor splice site in intron 3 of the DHCR7 gene. It is expected to disrupt RNA splicing. Variants that disrupt the donor or acceptor splice site typically lead to a loss of protein function (PMID: 16199547), and loss-of-function variants in DHCR7 are known to be pathogenic (PMID: 9634533, 10677299). This variant is not present in population databases (gnomAD no frequency). This variant has not been reported in the literature in individuals affected with DHCR7-related conditions. Algorithms developed to predict the effect of sequence changes on RNA splicing suggest that this variant may disrupt the consensus splice site. In summary, the currently available evidence indicates that the variant is pathogenic, but additional data are needed to prove that conclusively. Therefore, this variant has been classified as Likely Pathogenic.

Literature cited by the submitters: PubMed 16199547; PubMed 9634533; PubMed 10677299.

NM_001360.3(DHCR7):c.98+1G>T

Gene: DHCR7 (7-dehydrocholesterol reductase; minus strand). Cytogenetic location: 11q13.4.
Variant type: single nucleotide variant.
Coding change: c.98+1G>T on transcript NM_001360.3 (MANE Select); the canonical splice donor site of the intron after coding-DNA position 98, G replaced by T.
Molecular consequence: splice donor variant.
Genome position (GRCh38, 1-based): chr11:71,444,854, C>A on the plus strand (G>T on the coding strand, the complement: DHCR7 is on the minus strand). VCF-style: chr11-71444854-C-A. GRCh37 (hg19) VCF-style: chr11-71155900-C-A.
Other names: c.98+1G>T (NM_001163817.2).
Identifiers: ClinVar variation 2993642 (VCV002993642.3), dbSNP rs2539239056, ClinGen allele CA381696847.